The following is an entry in ClinVar:

ClinVar aggregate classification (germline): Uncertain significance (1 of 4 stars; one submission).

Conditions:
Hereditary cancer. Identifiers: MedGen C1333600.

Submission:

Mendelics
Classification: Uncertain significance for Hereditary cancer. Last evaluated: 2025-02-04. Review status: criteria provided, single submitter. Criteria: ACMG Guidelines, 2015. Collection method: clinical testing. Allele origin: unknown.
Comment: The available evidence is insufficient to conclusively determine the role of this variant. Therefore, it is classified as a Variant of Uncertain Significance.

NM_002528.7(NTHL1):c.512T>G (p.Val171Gly)

Gene: NTHL1 (nth like DNA glycosylase 1; minus strand). Cytogenetic location: 16p13.3.
Variant type: single nucleotide variant.
Coding change: c.512T>G on transcript NM_002528.7 (MANE Select); coding-DNA position 512, T replaced by G.
Protein change: p.Val171Gly; replaces valine 171 with glycine.
Molecular consequence: missense variant. On other transcripts: intron variant (1).
Genome position (GRCh38, 1-based): chr16:2,044,643, A>C on the plus strand (T>G on the coding strand, the complement: NTHL1 is on the minus strand). VCF-style: chr16-2044643-A-C. GRCh37 (hg19) VCF-style: chr16-2094644-A-C.
Other names: c.182T>G, p.Val61Gly (NM_001318194.2); c.355-917T>G (NM_001318193.2); short protein forms V171G, V61G.
Identifiers: ClinVar variation 3764510 (VCV003764510.1).
Genomic context (GRCh38, chr16:2,044,643, plus strand): 5'-TCTCAGGCCACTGCCACCCGGCCCCCGTTGCCACAGGCAGGGCTCACCCTCCAGAAACCG[A>C]CGGGGTAGATGAGCTTGCCCAGCGTGGCATCATCTGTCTGCAGGATGCTGTCCACCGTCA-3'
Protein context (NP_002519.2, residues 161-181): DATLGKLIYP[Val171Gly]GFWRSKVKYI